The following is an entry in ClinVar:

ClinVar aggregate classification (germline): Uncertain significance. Review status: criteria provided, multiple submitters, no conflicts (2 of 4 stars). 4 submissions from 4 submitters: Uncertain significance (4). Last evaluated 2025-10-14.

Conditions:
Classic or attenuated familial adenomatous polyposis. Identifiers: MedGen CN372698, MONDO:0021057.
Hereditary cancer-predisposing syndrome. Also called: Neoplastic Syndromes, Hereditary; Tumor predisposition; Hereditary Cancer Syndrome; Hereditary neoplastic syndrome. Identifiers: Orphanet 140162, MedGen C0027672, MeSH D009386, MONDO:0015356.
Familial adenomatous polyposis 1 (FAP1). Also called: FAMILIAL ADENOMATOUS POLYPOSIS 1, ATTENUATED; POLYPOSIS, ADENOMATOUS INTESTINAL. Identifiers: MedGen C2713442, MONDO:0021056, OMIM 175100. Disease mechanism: loss of function.

Submissions (4):

Ambry Genetics
Classification: Uncertain significance for Hereditary cancer-predisposing syndrome. Last evaluated: 2025-10-14. Review status: criteria provided, single submitter. Criteria: Ambry Variant Classification Scheme 2023. Collection method: clinical testing. Allele origin: germline.
Comment: The p.V530M variant (also known as c.1588G>A), located in coding exon 12 of the APC gene, results from a G to A substitution at nucleotide position 1588. The valine at codon 530 is replaced by methionine, an amino acid with highly similar properties. This amino acid position is highly conserved in available vertebrate species. In addition, in silico predictors for this gene do not accurately predict pathogenicity. Since supporting evidence is limited at this time, the clinical significance of this alteration remains unclear.

Labcorp Genetics (formerly Invitae), Labcorp
Classification: Uncertain significance for Familial adenomatous polyposis 1. Last evaluated: 2025-05-05. Review status: criteria provided, single submitter. Criteria: Invitae Variant Classification Sherloc (09022015). Collection method: clinical testing. Allele origin: germline.
Comment: This sequence change replaces valine, which is neutral and non-polar, with methionine, which is neutral and non-polar, at codon 530 of the APC protein (p.Val530Met). This variant is not present in population databases (gnomAD no frequency). This variant has not been reported in the literature in individuals affected with APC-related conditions. ClinVar contains an entry for this variant (Variation ID: 188254). Invitae Evidence Modeling of protein sequence and biophysical properties (such as structural, functional, and spatial information, amino acid conservation, physicochemical variation, residue mobility, and thermodynamic stability) indicates that this missense variant is not expected to disrupt APC protein function with a negative predictive value of 95%. In summary, the available evidence is currently insufficient to determine the role of this variant in disease. Therefore, it has been classified as a Variant of Uncertain Significance.

All of Us Research Program, National Institutes of Health
Classification: Uncertain significance for Classic or attenuated familial adenomatous polyposis. Last evaluated: 2024-02-05. Review status: criteria provided, single submitter. Criteria: ACMG Guidelines, 2015. Collection method: clinical testing. Allele origin: germline. Inheritance: Autosomal dominant inheritance. Observed: 1 variant allele, 1 heterozygote.
Comment: This missense variant replaces valine with methionine at codon 530 of the APC protein. Computational prediction suggests that this variant may have deleterious impact on protein structure and function (internally defined REVEL score threshold >= 0.7, PMID: 27666373). To our knowledge, functional studies have not been reported for this variant. This variant has not been reported in individuals affected with APC-related disorders in the literature. This variant has not been identified in the general population by the Genome Aggregation Database (gnomAD). The available evidence is insufficient to determine the role of this variant in disease conclusively. Therefore, this variant is classified as a Variant of Uncertain Significance.

This study involves interpretation of variants in research participants for the purpose of population health screening. Participant phenotype was not available at the time of variant classification. Additional details can be found in publication PMID: 35346344, PMCID: PMC8962531

Color Diagnostics, LLC DBA Color Health
Classification: Uncertain significance for Hereditary cancer-predisposing syndrome. Last evaluated: 2023-12-05. Review status: criteria provided, single submitter. Criteria: ACMG Guidelines, 2015. Collection method: clinical testing. Allele origin: germline.
Comment: This missense variant replaces valine with methionine at codon 530 of the APC protein. Computational prediction suggests that this variant may have deleterious impact on protein structure and function (internally defined REVEL score threshold >= 0.7, PMID: 27666373). To our knowledge, functional studies have not been reported for this variant. This variant has not been reported in individuals affected with APC-related disorders in the literature. This variant has not been identified in the general population by the Genome Aggregation Database (gnomAD). The available evidence is insufficient to determine the role of this variant in disease conclusively. Therefore, this variant is classified as a Variant of Uncertain Significance.

NM_000038.6(APC):c.1588G>A (p.Val530Met)

Gene: APC (APC regulator of Wnt signaling pathway; plus strand). Cytogenetic location: 5q22.2.
Variant type: single nucleotide variant.
Coding change: c.1588G>A on transcript NM_000038.6 (MANE Select); coding-DNA position 1588, G replaced by A.
Protein change: p.Val530Met; replaces valine 530 with methionine.
Molecular consequence: missense variant.
Genome position (GRCh38, 1-based): chr5:112,827,968, G>A. VCF-style: chr5-112827968-G-A. GRCh37 (hg19) VCF-style: chr5-112163665-G-A.
Other names: c.1588G>A, p.Val530Met (NM_001127510.3, NM_001354895.2); c.1534G>A, p.Val512Met (NM_001127511.3); c.1642G>A, p.Val548Met (NM_001354896.2); c.1618G>A, p.Val540Met (NM_001354897.2); c.1513G>A, p.Val505Met (NM_001354898.2); c.1504G>A, p.Val502Met (NM_001354899.2); c.1465G>A, p.Val489Met (NM_001354900.2); c.1411G>A, p.Val471Met (NM_001354901.2); and 5 more; short protein forms V512M, V530M, V502M, V370M, V404M, V489M, V505M, V540M.
Identifiers: ClinVar variation 188254 (VCV000188254.20), dbSNP rs786204178, ClinGen allele CA005349.
Genomic context (GRCh38, chr5:112,827,968, plus strand): 5'-TATTCTGTATTTAATTTACAGGCTACGCTATGCTCTATGAAAGGCTGCATGAGAGCACTT[G>A]TGGCCCAACTAAAATCTGAAAGTGAAGACTTACAGCAGGTACTATTTAGAATTTCACCTG-3'
Protein context (NP_000029.2, residues 520-540): CSMKGCMRAL[Val530Met]AQLKSESEDL